The following is an entry in ClinVar:

ClinVar aggregate classification (germline): Conflicting classifications of pathogenicity. Review status: criteria provided, conflicting classifications (1 of 4 stars). 2 submissions from 2 submitters: Likely pathogenic (1); Uncertain significance (1). Last evaluated 2021-09-01.

Conditions:
ST3GAL5-related disorder. Also called: ST3GAL5-related condition.
GM3 synthase deficiency (SPDRS). Also called: AMISH INFANTILE EPILEPSY SYNDROME; SALT AND PEPPER MENTAL RETARDATION SYNDROME; SALT AND PEPPER DEVELOPMENTAL REGRESSION SYNDROME. Identifiers: Orphanet 171714, Orphanet 370933, MedGen C1836824, MONDO:0018274, OMIM 609056.

Allele frequency attached by ClinVar (database versions not stated): gnomAD exomes below 0.00001.
gnomAD v4.1: 7 of 1,614,128 alleles (0.00043%); highest among the groups gnomAD compares: Non-Finnish European, 0.00042%; no homozygotes.

Submissions (2):

Labcorp Genetics (formerly Invitae), Labcorp
Classification: Uncertain significance for GM3 synthase deficiency. Last evaluated: 2021-09-01. Review status: criteria provided, single submitter. Criteria: Invitae Variant Classification Sherloc (09022015). Collection method: clinical testing. Allele origin: germline.
Comment: This sequence change replaces glycine with arginine at codon 235 of the ST3GAL5 protein (p.Gly235Arg). The glycine residue is highly conserved and there is a moderate physicochemical difference between glycine and arginine. This variant is not present in population databases (ExAC no frequency). This variant has not been reported in the literature in individuals affected with ST3GAL5-related conditions. Algorithms developed to predict the effect of missense changes on protein structure and function (SIFT, PolyPhen-2, Align-GVGD) all suggest that this variant is likely to be disruptive. In summary, the available evidence is currently insufficient to determine the role of this variant in disease. Therefore, it has been classified as a Variant of Uncertain Significance.

Blueprint Genetics
Classification: Likely pathogenic for ST3GAL5-related disorders. Last evaluated: 2019-10-31. Review status: criteria provided, single submitter. Criteria: ACMG Guidelines, 2015. Collection method: clinical testing. Allele origin: germline. Affected: yes. Observed: 3 variant alleles.

NM_003896.4(ST3GAL5):c.703G>A (p.Gly235Arg)

Gene: ST3GAL5 (ST3 beta-galactoside alpha-2,3-sialyltransferase 5; minus strand). Cytogenetic location: 2p11.2.
Variant type: single nucleotide variant.
Coding change: c.703G>A on transcript NM_003896.4 (MANE Select); coding-DNA position 703, G replaced by A.
Protein change: p.Gly235Arg; replaces glycine 235 with arginine.
Molecular consequence: missense variant. On other transcripts: 5 prime UTR variant (1).
Genome position (GRCh38, 1-based): chr2:85,846,523, C>T on the plus strand (G>A on the coding strand, the complement: ST3GAL5 is on the minus strand). VCF-style: chr2-85846523-C-T. GRCh37 (hg19) VCF-style: chr2-86073646-C-T.
Other names: c.634G>A, p.Gly212Arg (NM_001042437.2); c.319G>A, p.Gly107Arg (NM_001354223.2, NM_001354224.2, NM_001354226.2 and 3 more transcripts); c.619G>A, p.Gly207Arg (NM_001354227.2, NM_001354229.2, NM_001354238.1); c.-21G>A (NM_001354247.1); c.703G>A, p.Gly235Arg (NM_001363847.1); short protein forms G107R, G235R, G207R, G212R.
Identifiers: ClinVar variation 971281 (VCV000971281.8), dbSNP rs1682812794, ClinGen allele CA347531244.